The following is an entry in ClinVar:

ClinVar aggregate classification (germline): Uncertain significance (1 of 4 stars; one submission).

Conditions:
Cardiovascular phenotype. Identifiers: MedGen CN230736.

Submission:

Ambry Genetics
Classification: Uncertain significance for Cardiovascular phenotype. Last evaluated: 2026-03-30. Review status: criteria provided, single submitter. Criteria: Ambry Variant Classification Scheme 2023. Collection method: clinical testing. Allele origin: germline.
Comment: The p.L2444P variant (also known as c.7331T>C), located in coding exon 24 of the DSP gene, results from a T to C substitution at nucleotide position 7331. The leucine at codon 2444 is replaced by proline, an amino acid with similar properties. This amino acid position is conserved. In addition, this alteration is predicted to be deleterious by in silico analysis. Based on the available evidence, the clinical significance of this variant remains unclear.

NM_004415.4(DSP):c.7331T>C (p.Leu2444Pro)

Gene: DSP (desmoplakin; plus strand). Cytogenetic location: 6p24.3.
Variant type: single nucleotide variant.
Coding change: c.7331T>C on transcript NM_004415.4 (MANE Select); coding-DNA position 7331, T replaced by C.
Protein change: p.Leu2444Pro; replaces leucine 2444 with proline.
Molecular consequence: missense variant.
Genome position (GRCh38, 1-based): chr6:7,584,593, T>C. VCF-style: chr6-7584593-T-C. GRCh37 (hg19) VCF-style: chr6-7584826-T-C.
Other names: c.6002T>C, p.Leu2001Pro (NM_001319034.2); c.5534T>C, p.Leu1845Pro (NM_001008844.3); short protein forms L1845P, L2001P, L2444P.
Identifiers: ClinVar variation 4870124 (VCV004870124.1).
Genomic context (GRCh38, chr6:7,584,593, plus strand): 5'-TTACCTATCTGCAACTAAAAGAAAGATGCATTAAGGATGAGGAAACAGGGCTCTGTCTTC[T>C]GCCTCTGAAAGAAAAGAAGAAACAGGTGCAGACATCACAAAAGAATACCCTCAGGAAGCG-3'
Protein context (NP_004406.2, residues 2434-2454): IKDEETGLCL[Leu2444Pro]PLKEKKKQVQ